The following is an entry in ClinVar:

NM_030943.4(AMN):c.43+1G>T

Gene: AMN (amnion associated transmembrane protein; plus strand). Cytogenetic location: 14q32.32.
Variant type: single nucleotide variant.
Coding change: c.43+1G>T on transcript NM_030943.4 (MANE Select); the canonical splice donor site of the intron after coding-DNA position 43, G replaced by T.
Molecular consequence: splice donor variant.
Genome position (GRCh38, 1-based): chr14:102,922,732, G>T. VCF-style: chr14-102922732-G-T. GRCh37 (hg19) VCF-style: chr14-103389069-G-T.
Identifiers: ClinVar variation 56753 (VCV000056753.2), dbSNP rs386834172, ClinGen allele CA144411.

ClinVar aggregate classification (germline): Likely pathogenic (0 of 4 stars; one submission).

Conditions:
Imerslund-Grasbeck syndrome. Also called: PERNICIOUS ANEMIA, JUVENILE, DUE TO SELECTIVE INTESTINAL MALABSORPTION OF VITAMIN B12, WITH PROTEINURIA; Megaloblastic anemia due to inborn errors of metabolism; Imerslund-Gräsbeck syndrome; ENTEROCYTE COBALAMIN MALABSORPTION; ENTEROCYTE INTRINSIC FACTOR RECEPTOR, DEFECT OF. Identifiers: Orphanet 35858, MedGen C4551825, MONDO:0009853.

Allele frequency attached by ClinVar (database versions not stated): TOPMed below 0.00001.

Submission:

Juha Muilu Group; Institute for Molecular Medicine Finland (FIMM)
Classification: Likely pathogenic for Megaloblastic anemia due to inborn errors of metabolism. Review status: no assertion criteria provided. Collection method: not provided. Allele origin: unknown.
Comment: FinDis database variant: This variant was not found or characterized by our laboratory, data were collected from public sources: see reference
ClinVar note: Converted during submission from probable-pathogenic to Likely pathogenic.